The following is an entry in ClinVar:

NM_001267550.2(TTN):c.90758GAG[2] (p.Gly30255del)

Genes: TTN (titin; minus strand), TTN-AS1 (TTN antisense RNA 1; plus strand). Cytogenetic location: 2q31.2.
Variant type: Microsatellite.
Coding change: c.90758GAG[2] on transcript NM_001267550.2 (MANE Select); two copies in a row of the 3-base unit GAG starting at c.90758; the reference has three copies in a row; one copy, 3 bases deleted.
Protein change: p.Gly30255del; deletes glycine 30255.
Molecular consequence: inframe deletion.
Genome position (GRCh38, 1-based): chr2:178,552,134-178,552,136, CTC deleted on the plus strand (GAG on the coding strand, the reverse complement: TTN is on the minus strand); deleting any 3 consecutive bases within chr2:178,552,134-178,552,143 gives the same sequence; the position shown is the placement nearest the transcript's 3' end. VCF-style (leftmost placement, unchanged base first): chr2-178552133-TCTC-T. GRCh37 (hg19) VCF-style: chr2-179416860-TCTC-T.
Other names: p.Gly28614del; c.90758_90760GAG[2], p.Gly30255del (NM_001267550.2); c.90764_90766delGAG (NM_001267550.2); c.85835GAG[2], p.Gly28614del (NM_001256850.1); c.63563GAG[2], p.Gly21190del (NM_003319.4); c.83054GAG[2], p.Gly27687del (NM_133378.4); c.63938GAG[2], p.Gly21315del (NM_133432.3); c.64139GAG[2], p.Gly21382del (NM_133437.4); and 2 more; short protein forms G30255del, G27687del, G28614del, G21315del, G21190del, G21382del.
Identifiers: ClinVar variation 196152 (VCV000196152.63), dbSNP rs748912340, ClinGen allele CA243009.

ClinVar aggregate classification (germline): Conflicting classifications of pathogenicity. Review status: criteria provided, conflicting classifications (1 of 4 stars). 12 submissions from 12 submitters: Uncertain significance (6); Likely benign (3). 3 of the submissions do not count toward it. Last evaluated 2025-05-07.

Conditions:
TTN-related disorder. Also called: TTN-related condition; TTN-related disease; TTN-related disorders.
Cardiovascular phenotype. Identifiers: MedGen CN230736.
Autosomal recessive limb-girdle muscular dystrophy type 2J (LGMDR10). Also called: Limb-girdle muscular dystrophy, type 2J; MUSCULAR DYSTROPHY, LIMB-GIRDLE, AUTOSOMAL RECESSIVE 10. Identifiers: Orphanet 140922, MedGen C1837342, MONDO:0012127, OMIM 608807.
Dilated cardiomyopathy 1G (CMD1G). Identifiers: Orphanet 154, MedGen C1858763, MONDO:0011400, OMIM 604145.
Cardiomyopathy (CMYO). Also called: Cardiomyopathies. Identifiers: Orphanet 167848, MedGen C0878544, MONDO:0004994, HP:0001638. Inheritance: Various modes of inheritance.

Submissions (12):

Mayo Clinic Laboratories, Mayo Clinic
Classification: Uncertain significance. Last evaluated: 2025-05-07. Review status: criteria provided, single submitter. Criteria: ACMG Guidelines, 2015. Collection method: clinical testing. Allele origin: germline. Observed: 1 variant allele.

Blueprint Genetics
Classification: Uncertain significance. Last evaluated: 2024-01-08. Review status: criteria provided, single submitter. Criteria: ACMG Guidelines, 2015. Collection method: clinical testing. Allele origin: germline.

CeGaT Center for Human Genetics Tuebingen
Classification: Uncertain significance. Last evaluated: 2023-12-01. Review status: criteria provided, single submitter. Criteria: CeGaT Center For Human Genetics Tuebingen Variant Classification Criteria Version 2. Collection method: clinical testing. Allele origin: germline. Affected: yes. Observed: 3 variant alleles.
Comment: TTN: PM4:Supporting

GeneDx
Classification: Likely benign. Last evaluated: 2020-08-20. Review status: criteria provided, single submitter. Criteria: GeneDx Variant Classification Process June 2021. Collection method: clinical testing. Allele origin: germline. Affected: yes.
Comment: This variant is associated with the following publications: (PMID: 23861362)

Molecular Diagnostic Laboratory for Inherited Cardiovascular Disease, Montreal Heart Institute
Classification: Likely benign. Last evaluated: 2020-03-01. Review status: criteria provided, single submitter. Criteria: ACMG Guidelines, 2015. Collection method: clinical testing. Allele origin: germline. Affected: yes.

Ambry Genetics
Classification: Likely benign for Cardiovascular phenotype. Last evaluated: 2019-04-22. Review status: criteria provided, single submitter. Criteria: Ambry Variant Classification Scheme 2023. Collection method: clinical testing. Allele origin: germline.

Labcorp Genetics (formerly Invitae), Labcorp
Classification: Uncertain significance for Dilated cardiomyopathy 1G; Autosomal recessive limb-girdle muscular dystrophy type 2J. Last evaluated: 2016-10-25. Review status: criteria provided, single submitter. Criteria: Invitae Variant Classification Sherloc (09022015). Collection method: clinical testing. Allele origin: germline.

CHEO Genetics Diagnostic Laboratory, Children's Hospital of Eastern Ontario
Classification: Uncertain significance for Cardiomyopathy. Last evaluated: 2015-12-18. Review status: criteria provided, single submitter. Criteria: ACMG Guidelines, 2015. Collection method: clinical testing. Allele origin: germline. Study: Canadian Open Genetics Repository.

Eurofins Ntd Llc (ga)
Classification: Uncertain significance. Last evaluated: 2014-06-03. Review status: criteria provided, single submitter. Criteria: EGL Classification Definitions 2015. Collection method: clinical testing. Allele origin: germline. Observed: 4 variant alleles, 1 heterozygote.

PreventionGenetics, part of Exact Sciences
Classification: Likely benign for TTN-related condition. Last evaluated: 2022-08-11. Review status: no assertion criteria provided. Collection method: clinical testing. Allele origin: germline. Not counted in ClinVar's aggregate classification.
Comment: This variant is classified as likely benign based on ACMG/AMP sequence variant interpretation guidelines (Richards et al. 2015 PMID: 25741868, with internal and published modifications).

Diagnostic Laboratory, Department of Genetics, University Medical Center Groningen
Classification: Likely benign. Review status: no assertion criteria provided. Collection method: clinical testing. Allele origin: germline. Affected: yes. Study: VKGL Data-share Consensus. Not counted in ClinVar's aggregate classification.

Laboratory of Diagnostic Genome Analysis, Leiden University Medical Center (LUMC)
Classification: Likely benign. Review status: no assertion criteria provided. Collection method: clinical testing. Allele origin: germline. Affected: yes. Study: VKGL Data-share Consensus. Not counted in ClinVar's aggregate classification.